The following is an entry in ClinVar:

ClinVar aggregate classification (germline): Pathogenic. Review status: criteria provided, single submitter (1 of 4 stars). 2 submissions from 2 submitters: Pathogenic (1). 1 of the submissions does not count toward it. Last evaluated 2024-05-28.

Conditions:
Deficiency of steroid 17-alpha-monooxygenase. Also called: ADRENAL HYPERPLASIA V; 17-ALPHA-HYDROXYLASE DEFICIENCY; Congenital adrenal hyperplasia due to 17-alpha-hydroxylase deficiency; Congenital adrenal hyperplasia type 5; 17-alpha-hydroxylase/17,20-lyase deficiency. Identifiers: Orphanet 90793, MedGen C0268285, MONDO:0008730, OMIM 202110.
Congenital adrenal hyperplasia. Identifiers: Orphanet 418, MedGen C0001627, MONDO:0018479, HP:0008258.

Allele frequency attached by ClinVar (database versions not stated): ExAC 0.00001; gnomAD exomes 0.00001.

Submissions (2):

Women's Health and Genetics/Laboratory Corporation of America, LabCorp
Classification: Pathogenic for Congenital adrenal hyperplasia. Last evaluated: 2024-05-28. Review status: criteria provided, single submitter. Criteria: LabCorp Variant Classification Summary - May 2015. Collection method: clinical testing. Allele origin: germline.
Comment: Variant summary: CYP17A1 c.1169C>G (p.Thr390Arg) results in a non-conservative amino acid change in the encoded protein sequence. Five of five in-silico tools predict a damaging effect of the variant on protein function. The variant allele was found at a frequency of 8e-06 in 251260 control chromosomes (gnomAD). c.1169C>G has been reported in the literature in multiple individuals affected with Congenital Adrenal Hyperplasia or 17-alpha-hydroxylase/17,20-lyase deficiency (e.g. Han_2013, Qin_2019, Zhou_2021). These data indicate that the variant is very likely to be associated with disease. At least one publication reports experimental evidence evaluating an impact on protein function, finding that the variant results in only partial activity compared to the wild type (Han_2013). The following publications have been ascertained in the context of this evaluation (PMID: 23291414, 31388123, 33761789). ClinVar contains an entry for this variant (Variation ID: 3235268). Based on the evidence outlined above, the variant was classified as pathogenic.

Department of Medical Genetics, Kayseri City Hospital
Classification: Likely pathogenic for Deficiency of steroid 17-alpha-monooxygenase. Last evaluated: 2024-05-13. Review status: no assertion criteria provided. Collection method: clinical testing. Allele origin: germline. Inheritance: Autosomal recessive inheritance. Affected: yes. Not counted in ClinVar's aggregate classification.

Literature cited by the submitters: PubMed 23291414 (cited by Women's Health and Genetics/Laboratory Corporation of America, LabCorp); PubMed 31388123 (cited by Women's Health and Genetics/Laboratory Corporation of America, LabCorp); PubMed 33761789 (cited by Women's Health and Genetics/Laboratory Corporation of America, LabCorp).

NM_000102.4(CYP17A1):c.1169C>G (p.Thr390Arg)

Gene: CYP17A1 (cytochrome P450 family 17 subfamily A member 1; minus strand). Cytogenetic location: 10q24.32.
Variant type: single nucleotide variant.
Coding change: c.1169C>G on transcript NM_000102.4 (MANE Select); coding-DNA position 1169, C replaced by G.
Protein change: p.Thr390Arg; replaces threonine 390 with arginine.
Molecular consequence: missense variant.
Genome position (GRCh38, 1-based): chr10:102,831,582, G>C on the plus strand (C>G on the coding strand, the complement: CYP17A1 is on the minus strand). VCF-style: chr10-102831582-G-C. GRCh37 (hg19) VCF-style: chr10-104591339-G-C.
Other names: T390R.
Identifiers: ClinVar variation 3235268 (VCV003235268.4), dbSNP rs773865367, ClinGen allele CA5669380.